The following is an entry in ClinVar:

ClinVar aggregate classification (germline): Uncertain significance. Review status: criteria provided, multiple submitters, no conflicts (2 of 4 stars). 3 submissions from 3 submitters: Uncertain significance (3). Last evaluated 2025-11-25.

Conditions:
Cardiofaciocutaneous syndrome 4 (CFC4). Also called: MAP2K2-Related Cardiofaciocutaneous Syndrome. Identifiers: Orphanet 1340, MedGen C3809007, MONDO:0014114, OMIM 615280.
RASopathy. Also called: Noonan spectrum disorder; rasopathies. Identifiers: Orphanet 536391, MedGen C5555857, MONDO:0021060.

Allele frequency attached by ClinVar (database versions not stated): TOPMed 0.00001; gnomAD 0.00002; gnomAD exomes 0.00002; ExAC 0.00003.
gnomAD v4.1: 48 of 1,606,634 alleles (0.003%); highest among the groups gnomAD compares: Non-Finnish European, 0.0039%; no homozygotes.

Submissions (3):

Labcorp Genetics (formerly Invitae), Labcorp
Classification: Uncertain significance for RASopathy. Last evaluated: 2025-11-25. Review status: criteria provided, single submitter. Criteria: Invitae Variant Classification Sherloc (09022015). Collection method: clinical testing. Allele origin: germline.
Comment: This sequence change replaces arginine, which is basic and polar, with methionine, which is neutral and non-polar, at codon 164 of the MAP2K2 protein (p.Arg164Met). The frequency data for this variant in the population databases is considered unreliable, as metrics indicate poor data quality at this position in the gnomAD database. This variant has not been reported in the literature in individuals affected with MAP2K2-related conditions. ClinVar contains an entry for this variant (Variation ID: 571542). Invitae Evidence Modeling incorporating data from in vitro experimental studies (internal data) indicates that this missense variant is not expected to disrupt MAP2K2 function with a negative predictive value of 95%. In summary, the available evidence is currently insufficient to determine the role of this variant in disease. Therefore, it has been classified as a Variant of Uncertain Significance.

Fulgent Genetics
Classification: Uncertain significance for Cardiofaciocutaneous syndrome 4. Last evaluated: 2024-02-10. Review status: criteria provided, single submitter. Criteria: ACMG Guidelines, 2015. Collection method: clinical testing. Allele origin: germline.

Women's Health and Genetics/Laboratory Corporation of America, LabCorp
Classification: Uncertain significance. Last evaluated: 2020-10-19. Review status: criteria provided, single submitter. Criteria: LabCorp Variant Classification Summary - May 2015. Collection method: clinical testing. Allele origin: germline.
Comment: Variant summary: MAP2K2 c.491G>T (p.Arg164Met) results in a non-conservative amino acid change located in the Protein kinase domain (IPR000719) of the encoded protein sequence. Five of five in-silico tools predict a damaging effect of the variant on protein function. The variant allele was found at a frequency of 2.1e-05 in 236416 control chromosomes (gnomAD). The available data on variant occurrences in the general population are insufficient to allow any conclusion about variant significance. c.491G>T has been reported in the literature in an individual affected with low grade glioma (Zhang_2015). This report does not provide unequivocal conclusions about association of the variant with Cardiofaciocutaneous Syndrome. To our knowledge, no experimental evidence demonstrating an impact on protein function has been reported. A ClinVar submitter (evaluation after 2014) cites the variant as uncertain significance. Based on the evidence outlined above, the variant was classified as uncertain significance.

Literature cited by the submitters: PubMed 26580448 (cited by Women's Health and Genetics/Laboratory Corporation of America, LabCorp).

NM_030662.4(MAP2K2):c.491G>T (p.Arg164Met)

Gene: MAP2K2 (mitogen-activated protein kinase kinase 2; minus strand). Cytogenetic location: 19p13.3.
Variant type: single nucleotide variant.
Coding change: c.491G>T on transcript NM_030662.4 (MANE Select); coding-DNA position 491, G replaced by T.
Protein change: p.Arg164Met; replaces arginine 164 with methionine.
Molecular consequence: missense variant.
Genome position (GRCh38, 1-based): chr19:4,102,413, C>A on the plus strand (G>T on the coding strand, the complement: MAP2K2 is on the minus strand). VCF-style: chr19-4102413-C-A. GRCh37 (hg19) VCF-style: chr19-4102411-C-A.
Other names: short protein forms R164M.
Identifiers: ClinVar variation 571542 (VCV000571542.10), dbSNP rs751317148, ClinGen allele CA9090951.